The following is an entry in ClinVar:

ClinVar aggregate classification (germline): Uncertain significance (1 of 4 stars; one submission).

gnomAD v4.1: 2 of 1,613,670 alleles (0.00012%); highest among the groups gnomAD compares: African/African-American, 0.0013%; no homozygotes.

Submission:

Labcorp Genetics (formerly Invitae), Labcorp
Classification: Uncertain significance. Last evaluated: 2025-06-09. Review status: criteria provided, single submitter. Criteria: Invitae Variant Classification Sherloc (09022015). Collection method: clinical testing. Allele origin: germline.
Comment: This sequence change replaces isoleucine, which is neutral and non-polar, with methionine, which is neutral and non-polar, at codon 888 of the SPECC1L protein (p.Ile888Met). This variant is not present in population databases (gnomAD no frequency). This variant has not been reported in the literature in individuals affected with SPECC1L-related conditions. ClinVar contains an entry for this variant (Variation ID: 3672916). An algorithm developed to predict the effect of missense changes on protein structure and function (PolyPhen-2) suggests that this variant is likely to be disruptive. In summary, the available evidence is currently insufficient to determine the role of this variant in disease. Therefore, it has been classified as a Variant of Uncertain Significance.

NM_015330.6(SPECC1L):c.2664A>G (p.Ile888Met)

Genes: SPECC1L (sperm antigen with calponin homology and coiled-coil domains 1 like; plus strand), SPECC1L-ADORA2A (SPECC1L-ADORA2A readthrough (NMD candidate); plus strand). Cytogenetic location: 22q11.23.
Variant type: single nucleotide variant.
Coding change: c.2664A>G on transcript NM_015330.6 (MANE Select); coding-DNA position 2664, A replaced by G.
Protein change: p.Ile888Met; replaces isoleucine 888 with methionine.
Molecular consequence: missense variant. On other transcripts: non-coding transcript variant (1), 5 prime UTR variant (1).
Genome position (GRCh38, 1-based): chr22:24,347,097, A>G. VCF-style: chr22-24347097-A-G. GRCh37 (hg19) VCF-style: chr22-24743065-A-G.
Other names: c.2664A>G, p.Ile888Met (NM_001145468.4, NM_001254732.3); c.-139A>G (NM_001254733.2); short protein forms I888M.
Identifiers: ClinVar variation 3672916 (VCV003672916.2).
Genomic context (GRCh38, chr22:24,347,097, plus strand): 5'-AGTCCAAACAGTCATTTTAACTTTGATGTTGTTTATCTTATGATTTCAGAGACATTCCAT[A>G]AGTGGACCAATCTCAACATCCAAACCCCTGACAGCCCTGTCAGATAAGAGACCAAACTAT-3'
Protein context (NP_056145.5, residues 878-898): AAVSPMQRHS[Ile888Met]SGPISTSKPL